The following is an entry in ClinVar:

ClinVar aggregate classification (germline): Uncertain significance (1 of 4 stars; one submission).

Conditions:
Catecholaminergic polymorphic ventricular tachycardia 1. Also called: VENTRICULAR TACHYCARDIA, CATECHOLAMINERGIC POLYMORPHIC, 1, WITH OR WITHOUT ATRIAL DYSFUNCTION AND/OR DILATED CARDIOMYOPATHY; RYR2-Related Catecholaminergic Polymorphic Ventricular Tachycardia; VENTRICULAR TACHYCARDIA, STRESS-INDUCED POLYMORPHIC 1. Identifiers: Orphanet 3286, MedGen C1631597, MONDO:0011484, OMIM 604772.

Submission:

Labcorp Genetics (formerly Invitae), Labcorp
Classification: Uncertain significance for Catecholaminergic polymorphic ventricular tachycardia 1. Last evaluated: 2023-12-11. Review status: criteria provided, single submitter. Criteria: Invitae Variant Classification Sherloc (09022015). Collection method: clinical testing. Allele origin: germline.
Comment: This sequence change replaces aspartic acid, which is acidic and polar, with isoleucine, which is neutral and non-polar, at codon 242 of the RYR2 protein (p.Asp242Ile). Information on the frequency of this variant in the gnomAD database is not available, as this variant may be reported differently in the database. This variant has not been reported in the literature in individuals affected with RYR2-related conditions. ClinVar contains an entry for this variant (Variation ID: 404225). An algorithm developed to predict the effect of missense changes on protein structure and function (PolyPhen-2) suggests that this variant is likely to be disruptive. In summary, the available evidence is currently insufficient to determine the role of this variant in disease. Therefore, it has been classified as a Variant of Uncertain Significance.

NM_001035.3(RYR2):c.724_725delinsAT (p.Asp242Ile)

Gene: RYR2 (ryanodine receptor 2; plus strand). Cytogenetic location: 1q43.
Variant type: Indel.
Coding change: c.724_725delinsAT on transcript NM_001035.3 (MANE Select); coding-DNA positions 724 to 725, GA replaced by AT.
Protein change: p.Asp242Ile; replaces aspartic acid 242 with isoleucine.
Molecular consequence: missense variant.
Genome position (GRCh38, 1-based): chr1:237,388,134-237,388,135, GA replaced by AT. VCF-style: chr1-237388134-GA-AT. GRCh37 (hg19) VCF-style: chr1-237551434-GA-AT.
Other names: c.724_725delinsAT, p.Asp242Ile (LRG_402t1); short protein forms D242I.
Identifiers: ClinVar variation 404225 (VCV000404225.9), dbSNP rs1060500162, ClinGen allele CA16610069.